The following is an entry in ClinVar:

ClinVar aggregate classification (germline): Uncertain significance. Review status: criteria provided, multiple submitters, no conflicts (2 of 4 stars). 2 submissions from 2 submitters: Uncertain significance (2). Last evaluated 2025-01-27.

Conditions:
Inborn genetic diseases. Identifiers: MedGen C0950123, MeSH D030342.
Congenital myasthenic syndrome 10. Also called: Myasthenia, limb-girdle, familial. Identifiers: Orphanet 590, MedGen C1850792, MONDO:0009690, OMIM 254300.
Fetal akinesia deformation sequence 1 (FADS1). Also called: Pena-Shokeir syndrome type I; Fetal akinesia sequence. Identifiers: Orphanet 994, MedGen C1276035, MONDO:0100101, OMIM 208150, HP:0001989.

Allele frequency attached by ClinVar (database versions not stated): gnomAD 0.00001.
gnomAD v4.1: 1 of 1,310,000 alleles (0.000076%); highest among the groups gnomAD compares: Admixed American, 0.0028%; no homozygotes.

Submissions (2):

Ambry Genetics
Classification: Uncertain significance for Inborn genetic diseases. Last evaluated: 2025-01-27. Review status: criteria provided, single submitter. Criteria: Ambry Variant Classification Scheme 2023. Collection method: clinical testing. Allele origin: germline.

Labcorp Genetics (formerly Invitae), Labcorp
Classification: Uncertain significance for Congenital myasthenic syndrome 10; Fetal akinesia deformation sequence 1. Last evaluated: 2022-10-13. Review status: criteria provided, single submitter. Criteria: Invitae Variant Classification Sherloc (09022015). Collection method: clinical testing. Allele origin: germline.
Comment: In summary, the available evidence is currently insufficient to determine the role of this variant in disease. Therefore, it has been classified as a Variant of Uncertain Significance. Advanced modeling of protein sequence and biophysical properties (such as structural, functional, and spatial information, amino acid conservation, physicochemical variation, residue mobility, and thermodynamic stability) performed at Invitae indicates that this missense variant is expected to disrupt DOK7 protein function. ClinVar contains an entry for this variant (Variation ID: 1053781). This variant has not been reported in the literature in individuals affected with DOK7-related conditions. This variant is not present in population databases (gnomAD no frequency). This sequence change replaces lysine, which is basic and polar, with glutamine, which is neutral and polar, at codon 17 of the DOK7 protein (p.Lys17Gln).

NM_173660.5(DOK7):c.49A>C (p.Lys17Gln)

Gene: DOK7 (docking protein 7; plus strand). Cytogenetic location: 4p16.3.
Variant type: single nucleotide variant.
Coding change: c.49A>C on transcript NM_173660.5 (MANE Select); coding-DNA position 49, A replaced by C.
Protein change: p.Lys17Gln; replaces lysine 17 with glutamine.
Molecular consequence: missense variant.
Genome position (GRCh38, 1-based): chr4:3,463,424, A>C. VCF-style: chr4-3463424-A-C. GRCh37 (hg19) VCF-style: chr4-3465151-A-C.
Other names: c.49A>C (NM_173660.4); c.49A>C, p.Lys17Gln (NM_001164673.2, NM_001301071.2, NM_001363811.2); short protein forms K17Q.
Identifiers: ClinVar variation 1053781 (VCV001053781.10), dbSNP rs1726073976, ClinGen allele CA356112021.